The following is an entry in ClinVar:

NM_001330288.2(SMARCC2):c.3284C>T (p.Ala1095Val)

Gene: SMARCC2 (SWI/SNF related BAF chromatin remodeling complex subunit C2; minus strand). Cytogenetic location: 12q13.2.
Variant type: single nucleotide variant.
Coding change: c.3284C>T on transcript NM_001330288.2 (MANE Select); coding-DNA position 3284, C replaced by T.
Protein change: p.Ala1095Val; replaces alanine 1095 with valine.
Molecular consequence: missense variant.
Genome position (GRCh38, 1-based): chr12:56,164,680, G>A on the plus strand (C>T on the coding strand, the complement: SMARCC2 is on the minus strand). VCF-style: chr12-56164680-G-A. GRCh37 (hg19) VCF-style: chr12-56558464-G-A.
Other names: c.3191C>T, p.Ala1064Val (NM_003075.5); c.3284C>T, p.Ala1095Val (NM_139067.4, NM_001130420.3); short protein forms A1064V, A1095V.
Identifiers: ClinVar variation 2574256 (VCV002574256.2), dbSNP rs2540838035, ClinGen allele CA385339190.

ClinVar aggregate classification (germline): Uncertain significance (1 of 4 stars; one submission).

Allele frequency attached by ClinVar (database versions not stated): gnomAD exomes 0.00001.

Submission:

GeneDx
Classification: Uncertain significance. Last evaluated: 2025-10-16. Review status: criteria provided, single submitter. Criteria: GeneDx Variant Classification Process June 2021. Collection method: clinical testing. Allele origin: germline. Affected: yes.
Comment: Not observed at significant frequency in large population cohorts (gnomAD); In silico analysis suggests that this missense variant does not alter protein structure/function; Has not been previously published as pathogenic or benign to our knowledge